The following is an entry in ClinVar:

ClinVar aggregate classification (germline): Uncertain significance (1 of 4 stars; one submission).

Conditions:
Atrioventricular septal defect 4 (AVSD4). Identifiers: MedGen C3280781, MONDO:0013747, OMIM 614430.

Submission:

Labcorp Genetics (formerly Invitae), Labcorp
Classification: Uncertain significance for Atrioventricular septal defect 4. Last evaluated: 2025-04-24. Review status: criteria provided, single submitter. Criteria: Invitae Variant Classification Sherloc (09022015). Collection method: clinical testing. Allele origin: germline.
Comment: This sequence change replaces asparagine, which is neutral and polar, with lysine, which is basic and polar, at codon 349 of the GATA4 protein (p.Asn349Lys). This variant is not present in population databases (gnomAD no frequency). This variant has not been reported in the literature in individuals affected with GATA4-related conditions. Invitae Evidence Modeling of protein sequence and biophysical properties (such as structural, functional, and spatial information, amino acid conservation, physicochemical variation, residue mobility, and thermodynamic stability) indicates that this missense variant is not expected to disrupt GATA4 protein function with a negative predictive value of 95%. In summary, the available evidence is currently insufficient to determine the role of this variant in disease. Therefore, it has been classified as a Variant of Uncertain Significance.

NM_001308093.3(GATA4):c.1050C>G (p.Asn350Lys)

Gene: GATA4 (GATA binding protein 4). Cytogenetic location: 8p23.1.
Variant type: single nucleotide variant.
Coding change: c.1050C>G on transcript NM_001308093.3 (MANE Select); coding-DNA position 1050, C replaced by G.
Protein change: p.Asn350Lys; replaces asparagine 350 with lysine.
Molecular consequence: missense variant.
Genome position (GRCh38, 1-based): chr8:11,756,984, C>G. VCF-style: chr8-11756984-C-G. GRCh37 (hg19) VCF-style: chr8-11614493-C-G.
Other names: c.429C>G, p.Asn143Lys (NM_001308094.2, NM_001374273.1); c.303C>G, p.Asn101Lys (NM_001374274.1); c.1047C>G, p.Asn349Lys (NM_002052.5); short protein forms N143K, N349K, N101K, N350K.
Identifiers: ClinVar variation 4709978 (VCV004709978.1).
Genomic context (GRCh38, chr8:11,756,984, plus strand): 5'-CTTCATTCCAGCTCCTTCAGGCAGTGAGAGCCTTCCTCCCGCCAGCGGTGCTTCCAGCAA[C>G]TCCAGCAACGCCACCACCAGCAGCAGCGAGGAGATGCGTCCCATCAAGACGGAGCCTGGC-3'
Protein context (NP_001295022.1, residues 340-360): SLPPASGASS[Asn350Lys]SSNATTSSSE